The following is an entry in ClinVar:

ClinVar aggregate classification (germline): Uncertain significance (1 of 4 stars; one submission).

Conditions:
Senior-Loken syndrome 7 (SLSN7). Identifiers: Orphanet 3156, MedGen C3150877, MONDO:0013326, OMIM 613615.
Bardet-Biedl syndrome 16 (BBS16). Identifiers: Orphanet 110, MedGen C3889474, MONDO:0014444, OMIM 615993.

Submission:

Labcorp Genetics (formerly Invitae), Labcorp
Classification: Uncertain significance for Bardet-Biedl syndrome 16; Senior-Loken syndrome 7. Last evaluated: 2022-02-20. Review status: criteria provided, single submitter. Criteria: Invitae Variant Classification Sherloc (09022015). Collection method: clinical testing. Allele origin: germline.
Comment: This sequence change falls in intron 9 of the SDCCAG8 gene. It does not directly change the encoded amino acid sequence of the SDCCAG8 protein. It affects a nucleotide within the consensus splice site. In summary, the available evidence is currently insufficient to determine the role of this variant in disease. Therefore, it has been classified as a Variant of Uncertain Significance. Variants that disrupt the consensus splice site are a relatively common cause of aberrant splicing (PMID: 17576681, 9536098). Algorithms developed to predict the effect of sequence changes on RNA splicing suggest that this variant is not likely to affect RNA splicing. This variant has not been reported in the literature in individuals affected with SDCCAG8-related conditions. This variant is not present in population databases (gnomAD no frequency).

Literature cited by the submitters: PubMed 17576681; PubMed 9536098.

NM_006642.5(SDCCAG8):c.1069-3C>T

Gene: SDCCAG8 (SHH signaling and ciliogenesis regulator SDCCAG8; plus strand). Cytogenetic location: 1q43.
Variant type: single nucleotide variant.
Coding change: c.1069-3C>T on transcript NM_006642.5 (MANE Select); 3 bases into the intron before coding-DNA position 1069, C replaced by T.
Molecular consequence: intron variant.
Genome position (GRCh38, 1-based): chr1:243,330,537, C>T. VCF-style: chr1-243330537-C-T. GRCh37 (hg19) VCF-style: chr1-243493839-C-T.
Other names: c.775-3C>T (NM_001350249.2); c.166-3C>T (NM_001350251.2, NM_001350246.2, NM_001350247.2); c.1165-3C>T (NM_001350248.2).
Identifiers: ClinVar variation 2100193 (VCV002100193.4), dbSNP rs2527970154, ClinGen allele CA2580063480.